The following is an entry in ClinVar:

ClinVar aggregate classification (germline): Uncertain significance (1 of 4 stars; one submission).

Submission:

Labcorp Genetics (formerly Invitae), Labcorp
Classification: Uncertain significance. Last evaluated: 2022-07-22. Review status: criteria provided, single submitter. Criteria: Invitae Variant Classification Sherloc (09022015). Collection method: clinical testing. Allele origin: germline.
Comment: In summary, the available evidence is currently insufficient to determine the role of this variant in disease. Therefore, it has been classified as a Variant of Uncertain Significance. Algorithms developed to predict the effect of missense changes on protein structure and function (SIFT, PolyPhen-2, Align-GVGD) all suggest that this variant is likely to be tolerated. This variant has not been reported in the literature in individuals affected with MESDC2-related conditions. This variant is not present in population databases (gnomAD no frequency). This sequence change replaces glutamine, which is neutral and polar, with histidine, which is basic and polar, at codon 205 of the MESDC2 protein (p.Gln205His).

NM_015154.3(MESD):c.615A>C (p.Gln205His)

Gene: MESD (mesoderm development LRP chaperone; minus strand). Cytogenetic location: 15q25.1.
Variant type: single nucleotide variant.
Coding change: c.615A>C on transcript NM_015154.3 (MANE Select); coding-DNA position 615, A replaced by C.
Protein change: p.Gln205His; replaces glutamine 205 with histidine.
Molecular consequence: missense variant. On other transcripts: non-coding transcript variant (1).
Genome position (GRCh38, 1-based): chr15:80,979,309, T>G on the plus strand (A>C on the coding strand, the complement: MESD is on the minus strand). VCF-style: chr15-80979309-T-G. GRCh37 (hg19) VCF-style: chr15-81271650-T-G.
Other names: short protein forms Q205H.
Identifiers: ClinVar variation 2018899 (VCV002018899.4), dbSNP rs2542673923, ClinGen allele CA393251706.